The following is an entry in ClinVar:

ClinVar aggregate classification (germline): Conflicting classifications of pathogenicity. Review status: criteria provided, conflicting classifications (1 of 4 stars). 3 submissions from 3 submitters: Uncertain significance (1); Likely benign (2). Last evaluated 2025-07-22.

Conditions:
Bethlem myopathy 1A. Also called: Bethlem myopathy 1; Bethlem Muscular Dystrophy; MYOPATHY, BENIGN CONGENITAL, WITH CONTRACTURES. Identifiers: Orphanet 610, MedGen CN029274, MONDO:0024530, OMIM 158810.

Allele frequency attached by ClinVar (database versions not stated): TOPMed 0.00002; gnomAD exomes 0.00001; gnomAD 0.00001; ExAC 0.00002.
gnomAD v4.1: 7 of 1,612,912 alleles (0.00043%); highest among the groups gnomAD compares: South Asian, 0.0011%; no homozygotes.

Submissions (3):

Labcorp Genetics (formerly Invitae), Labcorp
Classification: Likely benign for Bethlem myopathy 1A. Last evaluated: 2025-07-22. Review status: criteria provided, single submitter. Criteria: Invitae Variant Classification Sherloc (09022015). Collection method: clinical testing. Allele origin: germline.

GeneDx
Classification: Likely benign. Last evaluated: 2016-11-08. Review status: criteria provided, single submitter. Criteria: GeneDx Variant Classification (06012015). Collection method: clinical testing. Allele origin: germline. Affected: yes.
Comment: This variant is considered likely benign or benign based on one or more of the following criteria: it is a conservative change, it occurs at a poorly conserved position in the protein, it is predicted to be benign by multiple in silico algorithms, and/or has population frequency not consistent with disease.

Eurofins Ntd Llc (ga)
Classification: Uncertain significance. Last evaluated: 2013-05-07. Review status: criteria provided, single submitter. Criteria: EGL Classification Definitions 2015. Collection method: clinical testing. Allele origin: germline. Observed: 1 variant allele, 1 heterozygote.

NM_001849.4(COL6A2):c.2241G>A (p.Leu747=)

Gene: COL6A2 (collagen type VI alpha 2 chain; plus strand). Cytogenetic location: 21q22.3.
Variant type: single nucleotide variant.
Coding change: c.2241G>A on transcript NM_001849.4 (MANE Select); coding-DNA position 2241, G replaced by A.
Protein change: p.Leu747=; no amino-acid change (leucine 747 retained).
Molecular consequence: synonymous variant.
Genome position (GRCh38, 1-based): chr21:46,126,056, G>A. VCF-style: chr21-46126056-G-A. GRCh37 (hg19) VCF-style: chr21-47545970-G-A.
Other names: c.2241G>A, p.Leu747= (NM_058174.3, NM_058175.3).
Identifiers: ClinVar variation 93937 (VCV000093937.7), dbSNP rs398123649, ClinGen allele CA221822.
Genomic context (GRCh38, chr21:46,126,056, plus strand): 5'-GGTGGTCATCACGGACGGGCGCCACGACCCTCGGGACGATGACCTCAACTTGCGGGCGCT[G>A]TGCGACCGCGACGTCACAGTGACGGCCATCGGCATCGGGGACATGTTCCACGAGAAGCAC-3'
Protein context (NP_001840.3, residues 737-757): PRDDDLNLRA[Leu747=]CDRDVTVTAI